The following is an entry in ClinVar:

NM_006231.4(POLE):c.6748-3C>T

Gene: POLE (DNA polymerase epsilon, catalytic subunit; minus strand). Cytogenetic location: 12q24.33.
Variant type: single nucleotide variant.
Coding change: c.6748-3C>T on transcript NM_006231.4 (MANE Select); 3 bases into the intron before coding-DNA position 6748, C replaced by T.
Molecular consequence: intron variant.
Genome position (GRCh38, 1-based): chr12:132,624,813, G>A on the plus strand (C>T on the coding strand, the complement: POLE is on the minus strand). VCF-style: chr12-132624813-G-A. GRCh37 (hg19) VCF-style: chr12-133201399-G-A.
Other names: c.6748-3C>T (NM_006231.2).
Identifiers: ClinVar variation 1434804 (VCV001434804.7), dbSNP rs2138422205, ClinGen allele CA2573148122.
Genomic context (GRCh38, chr12:132,624,813, plus strand): 5'-ACGACATGCCGTAGTGCTGGGCAATGTTCCGGAATATTCCGATCTGTTCCATGAAGACCT[G>A]CAGGAATAAACAGGCACAGTGAGACCCCAGTCCACTCAGAGAGGAGGCCAAGGAGGCCAG-3'

ClinVar aggregate classification (germline): Uncertain significance. Review status: criteria provided, multiple submitters, no conflicts (2 of 4 stars). 2 submissions from 2 submitters: Uncertain significance (2). Last evaluated 2025-12-29.

Conditions:
Hereditary cancer-predisposing syndrome. Also called: Neoplastic Syndromes, Hereditary; Tumor predisposition; Hereditary Cancer Syndrome; Hereditary neoplastic syndrome. Identifiers: Orphanet 140162, MedGen C0027672, MeSH D009386, MONDO:0015356.

Allele frequency attached by ClinVar (database versions not stated): gnomAD exomes below 0.00001.

Submissions (2):

Ambry Genetics
Classification: Uncertain significance for Hereditary cancer-predisposing syndrome. Last evaluated: 2025-12-29. Review status: criteria provided, single submitter. Criteria: Ambry Variant Classification Scheme 2023. Collection method: clinical testing. Allele origin: germline.
Comment: The c.6748-3C>T intronic variant results from a C to T substitution 3 nucleotides upstream from coding exon 49 in the POLE gene. In silico splice site analysis predicts that this alteration will not have any significant effect on splicing. Based on the available evidence, the clinical significance of this variant remains unclear.

Labcorp Genetics (formerly Invitae), Labcorp
Classification: Uncertain significance. Last evaluated: 2022-10-05. Review status: criteria provided, single submitter. Criteria: Invitae Variant Classification Sherloc (09022015). Collection method: clinical testing. Allele origin: germline.
Comment: In summary, the available evidence is currently insufficient to determine the role of this variant in disease. Therefore, it has been classified as a Variant of Uncertain Significance. Variants that disrupt the consensus splice site are a relatively common cause of aberrant splicing (PMID: 17576681, 9536098). Algorithms developed to predict the effect of sequence changes on RNA splicing suggest that this variant is not likely to affect RNA splicing. ClinVar contains an entry for this variant (Variation ID: 1434804). This variant has not been reported in the literature in individuals affected with POLE-related conditions. This variant is not present in population databases (gnomAD no frequency). This sequence change falls in intron 48 of the POLE gene. It does not directly change the encoded amino acid sequence of the POLE protein. It affects a nucleotide within the consensus splice site.

Literature cited by the submitters: PubMed 17576681 (cited by Labcorp Genetics (formerly Invitae), Labcorp); PubMed 9536098 (cited by Labcorp Genetics (formerly Invitae), Labcorp).